The following is an entry in ClinVar:

ClinVar aggregate classification (germline): Uncertain significance (1 of 4 stars; one submission).

Allele frequency attached by ClinVar (database versions not stated): TOPMed below 0.00001.
gnomAD v4.1: 2 of 1,613,996 alleles (0.00012%); highest among the groups gnomAD compares: Non-Finnish European, 0.000085%; no homozygotes.

Submission:

Labcorp Genetics (formerly Invitae), Labcorp
Classification: Uncertain significance. Last evaluated: 2023-03-13. Review status: criteria provided, single submitter. Criteria: Invitae Variant Classification Sherloc (09022015). Collection method: clinical testing. Allele origin: germline.
Comment: In summary, the available evidence is currently insufficient to determine the role of this variant in disease. Therefore, it has been classified as a Variant of Uncertain Significance. Advanced modeling of protein sequence and biophysical properties (such as structural, functional, and spatial information, amino acid conservation, physicochemical variation, residue mobility, and thermodynamic stability) performed at Invitae indicates that this missense variant is not expected to disrupt POLE protein function. This variant has not been reported in the literature in individuals affected with POLE-related conditions. This variant is not present in population databases (gnomAD no frequency). This sequence change replaces tyrosine, which is neutral and polar, with serine, which is neutral and polar, at codon 100 of the POLE protein (p.Tyr100Ser).

NM_006231.4(POLE):c.299A>C (p.Tyr100Ser)

Gene: POLE (DNA polymerase epsilon, catalytic subunit; minus strand). Cytogenetic location: 12q24.33.
Variant type: single nucleotide variant.
Coding change: c.299A>C on transcript NM_006231.4 (MANE Select); coding-DNA position 299, A replaced by C.
Protein change: p.Tyr100Ser; replaces tyrosine 100 with serine.
Molecular consequence: missense variant.
Genome position (GRCh38, 1-based): chr12:132,680,209, T>G on the plus strand (A>C on the coding strand, the complement: POLE is on the minus strand). VCF-style: chr12-132680209-T-G. GRCh37 (hg19) VCF-style: chr12-133256795-T-G.
Other names: short protein forms Y100S.
Identifiers: ClinVar variation 2739276 (VCV002739276.3), dbSNP rs201279820, ClinGen allele CA387368791.